The following is an entry in ClinVar:

NM_000506.5(F2):c.1298+3A>G

Gene: F2 (coagulation factor II, thrombin; plus strand). Cytogenetic location: 11p11.2.
Variant type: single nucleotide variant.
Coding change: c.1298+3A>G on transcript NM_000506.5 (MANE Select); 3 bases into the intron after coding-DNA position 1298, A replaced by G.
Molecular consequence: intron variant.
Genome position (GRCh38, 1-based): chr11:46,728,166, A>G. VCF-style: chr11-46728166-A-G. GRCh37 (hg19) VCF-style: chr11-46749716-A-G.
Identifiers: ClinVar variation 3709321 (VCV003709321.2).
Genomic context (GRCh38, chr11:46,728,166, plus strand): 5'-ACAAGAACTTCACCGAGAATGACCTTCTGGTGCGCATTGGCAAGCACTCCCGCACCAGGT[A>G]CAGAACTGGTGGCCCGTGGGTGTCTGGCAGGGGTCTGAGTCCTCCAAAGCGATCATGAGG-3'

ClinVar aggregate classification (germline): Uncertain significance (1 of 4 stars; one submission).

Conditions:
Congenital prothrombin deficiency. Also called: Factor II deficiency; Inherited hypoprothrombinemia; Congenital factor II deficiency; Inherited prothrombin deficiency; Hereditary factor II deficiency disease; HYPOPROTHROMBINEMIA. Identifiers: Orphanet 325, MedGen C0272317, MONDO:0013361, OMIM 613679.

gnomAD v4.1: 81 of 1,606,360 alleles (0.005%); highest among the groups gnomAD compares: Non-Finnish European, 0.0066%; no homozygotes.

Submission:

Labcorp Genetics (formerly Invitae), Labcorp
Classification: Uncertain significance for Congenital prothrombin deficiency. Last evaluated: 2025-10-09. Review status: criteria provided, single submitter. Criteria: Invitae Variant Classification Sherloc (09022015). Collection method: clinical testing. Allele origin: germline.
Comment: This sequence change falls in intron 10 of the F2 gene. It does not directly change the encoded amino acid sequence of the F2 protein. It affects a nucleotide within the consensus splice site. This variant is present in population databases (rs371936558, gnomAD 0.003%). This variant has not been reported in the literature in individuals affected with F2-related conditions. ClinVar contains an entry for this variant (Variation ID: 3709321). Variants that disrupt the consensus splice site are a relatively common cause of aberrant splicing (PMID: 17576681, 9536098). Algorithms developed to predict the effect of sequence changes on RNA splicing suggest that this variant may create or strengthen a splice site. In summary, the available evidence is currently insufficient to determine the role of this variant in disease. Therefore, it has been classified as a Variant of Uncertain Significance.

Literature cited by the submitters: PubMed 17576681; PubMed 9536098.